The following is an entry in ClinVar:

NM_000059.4(BRCA2):c.3538A>T (p.Lys1180Ter)

Gene: BRCA2 (BRCA2 DNA repair associated; plus strand). Cytogenetic location: 13q13.1.
Variant type: single nucleotide variant.
Coding change: c.3538A>T on transcript NM_000059.4 (MANE Select); coding-DNA position 3538, A replaced by T.
Protein change: p.Lys1180Ter; replaces lysine 1180 with a stop codon.
Molecular consequence: nonsense. On other transcripts: non-coding transcript variant (1), intron variant (2).
Genome position (GRCh38, 1-based): chr13:32,337,893, A>T. VCF-style: chr13-32337893-A-T. GRCh37 (hg19) VCF-style: chr13-32912030-A-T.
Other names: c.3538A>T, p.Lys1180Ter (NM_001406719.1, NM_001406720.1); c.1909+4506A>T (NM_001406721.1); c.425-6665A>T (NM_001406722.1); short protein forms K1180*.
Identifiers: ClinVar variation 3226302 (VCV003226302.1), dbSNP rs2137497630, ClinGen allele CA387777150.

ClinVar aggregate classification (germline): Pathogenic (1 of 4 stars; one submission).

Conditions:
Hereditary cancer-predisposing syndrome. Also called: Neoplastic Syndromes, Hereditary; Tumor predisposition; Hereditary neoplastic syndrome; Hereditary Cancer Syndrome. Identifiers: Orphanet 140162, MedGen C0027672, MeSH D009386, MONDO:0015356.

Submission:

Ambry Genetics
Classification: Pathogenic for Hereditary cancer-predisposing syndrome. Last evaluated: 2023-11-22. Review status: criteria provided, single submitter. Criteria: Ambry Variant Classification Scheme 2023. Collection method: clinical testing. Allele origin: germline.
Comment: The p.K1180* pathogenic mutation (also known as c.3538A>T), located in coding exon 10 of the BRCA2 gene, results from an A to T substitution at nucleotide position 3538. This changes the amino acid from a lysine to a stop codon within coding exon 10. This alteration is expected to result in loss of function by premature protein truncation or nonsense-mediated mRNA decay. As such, this alteration is interpreted as a disease-causing mutation.